The following is an entry in ClinVar:

NM_020821.3(VPS13C):c.8924C>T (p.Ala2975Val)

Gene: VPS13C (vacuolar protein sorting 13 homolog C; minus strand). Cytogenetic location: 15q22.2.
Variant type: single nucleotide variant.
Coding change: c.8924C>T on transcript NM_020821.3 (MANE Select); coding-DNA position 8924, C replaced by T.
Protein change: p.Ala2975Val; replaces alanine 2975 with valine.
Molecular consequence: missense variant.
Genome position (GRCh38, 1-based): chr15:61,909,046, G>A on the plus strand (C>T on the coding strand, the complement: VPS13C is on the minus strand). VCF-style: chr15-61909046-G-A. GRCh37 (hg19) VCF-style: chr15-62201245-G-A.
Other names: c.8924C>T, p.Ala2975Val (NM_001018088.3); c.8795C>T, p.Ala2932Val (NM_017684.5, NM_018080.4); short protein forms A2975V, A2932V.
Identifiers: ClinVar variation 1942423 (VCV001942423.5), dbSNP rs768725072, ClinGen allele CA7594836.

ClinVar aggregate classification (germline): Uncertain significance (1 of 4 stars; one submission).

Allele frequency attached by ClinVar (database versions not stated): ExAC 0.00001; gnomAD exomes 0.00002; gnomAD 0.00003; TOPMed 0.00003.
gnomAD v4.1: 27 of 1,613,742 alleles (0.0017%); highest among the groups gnomAD compares: Non-Finnish European, 0.0023%; no homozygotes.

Submission:

Labcorp Genetics (formerly Invitae), Labcorp
Classification: Uncertain significance. Last evaluated: 2021-12-18. Review status: criteria provided, single submitter. Criteria: Invitae Variant Classification Sherloc (09022015). Collection method: clinical testing. Allele origin: germline.
Comment: This sequence change replaces alanine, which is neutral and non-polar, with valine, which is neutral and non-polar, at codon 2975 of the VPS13C protein (p.Ala2975Val). This variant is present in population databases (rs768725072, gnomAD 0.0009%). This variant has not been reported in the literature in individuals affected with VPS13C-related conditions. Algorithms developed to predict the effect of missense changes on protein structure and function are either unavailable or do not agree on the potential impact of this missense change (SIFT: "Tolerated"; PolyPhen-2: "Probably Damaging"; Align-GVGD: "Class C0"). In summary, the available evidence is currently insufficient to determine the role of this variant in disease. Therefore, it has been classified as a Variant of Uncertain Significance.